The following is an entry in ClinVar:

ClinVar aggregate classification (germline): Conflicting classifications of pathogenicity. Review status: criteria provided, conflicting classifications (1 of 4 stars). 14 submissions from 14 submitters: Uncertain significance (4); Benign (1); Likely benign (6). 3 of the submissions do not count toward it. Last evaluated 2026-02-02.

Conditions:
NDRG1-related disorder. Also called: NDRG1-related condition.
Inborn genetic diseases. Identifiers: MedGen C0950123, MeSH D030342.
Charcot-Marie-Tooth disease. Also called: Charcot-Marie-Tooth Hereditary Neuropathy; Charcot-Marie-Tooth Neuropathy. Identifiers: Orphanet 166, MedGen C0007959, MONDO:0015626.
Charcot-Marie-Tooth disease type 4. Also called: Charcot-Marie-Tooth disease, type IV; Charcot-Marie-Tooth, Type 4. Identifiers: Orphanet 64749, MedGen C4082197, MONDO:0018995.
Charcot-Marie-Tooth disease type 4D. Also called: Charcot-Marie-Tooth Neuropathy Type 4D; NEUROPATHY, HEREDITARY MOTOR AND SENSORY, LOM TYPE; CHARCOT-MARIE-TOOTH DISEASE, DEMYELINATING, TYPE 4D; CHARCOT-MARIE-TOOTH DISEASE, DEMYELINATING, AUTOSOMAL RECESSIVE, TYPE 4D. Identifiers: Orphanet 99950, MedGen C1832334, MONDO:0011085, OMIM 601455.

Allele frequency attached by ClinVar (database versions not stated): gnomAD exomes 0.00117; ESP Exome Variant Server 0.00138; gnomAD 0.00138 and 0.00140; 1000 Genomes Project 0.00060; 1000 Genomes Project 30x 0.00062; ExAC 0.00102; TOPMed 0.00175.
gnomAD v4.1: 3,006 of 1,614,144 alleles (0.19%); highest among the groups gnomAD compares: Admixed American, 0.28%; 4 homozygotes.

Submissions (14):

Labcorp Genetics (formerly Invitae), Labcorp
Classification: Likely benign for Charcot-Marie-Tooth disease type 4. Last evaluated: 2026-02-02. Review status: criteria provided, single submitter. Criteria: Invitae Variant Classification Sherloc (09022015). Collection method: clinical testing. Allele origin: germline.

Ambry Genetics
Classification: Uncertain significance for Inborn genetic diseases. Last evaluated: 2025-12-16. Review status: criteria provided, single submitter. Criteria: Ambry Variant Classification Scheme 2023. Collection method: clinical testing. Allele origin: germline.

PreventionGenetics, part of Exact Sciences
Classification: Likely benign for NDRG1-related condition. Last evaluated: 2025-02-11. Review status: criteria provided, single submitter. Criteria: ACMG Guidelines, 2015. Collection method: clinical testing. Allele origin: germline.
Comment: This variant is classified as likely benign based on ACMG/AMP sequence variant interpretation guidelines (Richards et al. 2015 PMID: 25741868, with internal and published modifications).

Mayo Clinic Laboratories, Mayo Clinic
Classification: Benign. Last evaluated: 2024-11-01. Review status: criteria provided, single submitter. Criteria: ACMG Guidelines, 2015. Collection method: clinical testing. Allele origin: germline. Observed: 10 variant alleles.
Comment: BS1, BS2, BP4

Blueprint Genetics
Classification: Likely benign. Last evaluated: 2024-10-18. Review status: criteria provided, single submitter. Criteria: ACMG Guidelines, 2015. Collection method: clinical testing. Allele origin: germline.

ARUP Laboratories, Molecular Genetics and Genomics, ARUP Laboratories
Classification: Uncertain significance for Charcot-Marie-Tooth disease type 4D. Last evaluated: 2024-07-09. Review status: criteria provided, single submitter. Criteria: ARUP Molecular Germline Variant Investigation Process 2024. Collection method: clinical testing. Allele origin: germline.
Comment: The NDRG1 c.31G>A; p.Ala11Thr variant (rs145871479, ClinVar Variation ID 220934) is reported in the literature in a cohort of CMT patients (Volodarsky 2021). This variant is found in the general population with an overall allele frequency of 0.1% (313/282870 alleles, including 1 homozygote) in the Genome Aggregation Database (v2.1.1). Computational analyses are uncertain whether this variant is neutral or deleterious (REVEL: 0.153). Due to limited information, the clinical significance of this variant is uncertain at this time. References: Volodarsky M et al. Comprehensive genetic sequence and copy number analysis for Charcot-Marie-Tooth disease in a Canadian cohort of 2517 patients. J Med Genet. 2021 Apr;58(4):284-288. PMID: 32376792.

GeneDx
Classification: Likely benign. Last evaluated: 2021-03-23. Review status: criteria provided, single submitter. Criteria: GeneDx Variant Classification Process June 2021. Collection method: clinical testing. Allele origin: germline. Affected: yes.
Comment: This variant is associated with the following publications: (PMID: 32376792)

CeGaT Center for Human Genetics Tuebingen
Classification: Uncertain significance. Last evaluated: 2020-11-01. Review status: criteria provided, single submitter. Criteria: CeGaT Center For Human Genetics Tuebingen Variant Classification Criteria Version 2. Collection method: clinical testing. Allele origin: germline. Affected: yes. Observed: 1 variant allele.

Athena Diagnostics
Classification: Likely benign. Last evaluated: 2019-11-22. Review status: criteria provided, single submitter. Criteria: Athena Diagnostics Criteria. Collection method: clinical testing. Allele origin: unknown.

Illumina Laboratory Services, Illumina
Classification: Uncertain significance for Charcot-Marie-Tooth disease type 4D. Last evaluated: 2018-01-12. Review status: criteria provided, single submitter. Criteria: ICSL Variant Classification Criteria 13 December 2019. Collection method: clinical testing. Allele origin: germline.

Molecular Genetics Laboratory, London Health Sciences Centre
Classification: Likely benign for Charcot-Marie-Tooth disease. Review status: criteria provided, single submitter. Criteria: ACMG Guidelines, 2015. Collection method: clinical testing. Allele origin: germline. Affected: yes.

Natera, Inc.
Classification: Likely benign for Charcot-Marie-Tooth disease type 4. Last evaluated: 2019-12-27. Review status: no assertion criteria provided. Collection method: clinical testing. Allele origin: germline. Not counted in ClinVar's aggregate classification.

Clinical Genetics, Academic Medical Center
Classification: Likely benign. Review status: no assertion criteria provided. Collection method: clinical testing. Allele origin: germline. Affected: yes. Study: VKGL Data-share Consensus. Not counted in ClinVar's aggregate classification.

Genome Diagnostics Laboratory, University Medical Center Utrecht
Classification: Likely benign. Review status: no assertion criteria provided. Collection method: clinical testing. Allele origin: germline. Affected: yes. Study: VKGL Data-share Consensus. Not counted in ClinVar's aggregate classification.

Literature cited by the submitters: PubMed 32376792 (cited by Mayo Clinic Laboratories, Mayo Clinic).

NM_006096.4(NDRG1):c.31G>A (p.Ala11Thr)

Gene: NDRG1 (N-myc downstream regulated 1; minus strand). Cytogenetic location: 8q24.22.
Variant type: single nucleotide variant.
Coding change: c.31G>A on transcript NM_006096.4 (MANE Select); coding-DNA position 31, G replaced by A.
Protein change: p.Ala11Thr; replaces alanine 11 with threonine.
Molecular consequence: missense variant. On other transcripts: 5 prime UTR variant (1), intron variant (2).
Genome position (GRCh38, 1-based): chr8:133,284,281, C>T on the plus strand (G>A on the coding strand, the complement: NDRG1 is on the minus strand). VCF-style: chr8-133284281-C-T. GRCh37 (hg19) VCF-style: chr8-134296524-C-T.
Other names: c.31G>A, p.Ala11Thr (NM_001135242.2, NM_001374844.1, NM_001374845.1 and 1 more transcripts); c.-107G>A (NM_001258433.2); c.-100+12853G>A (NM_001258432.2); c.-135-4014G>A (NM_001374847.1); short protein forms A11T.
Identifiers: ClinVar variation 220934 (VCV000220934.75), dbSNP rs145871479, ClinGen allele CA349792.